The following is an entry in ClinVar:

ClinVar aggregate classification (germline): Conflicting classifications of pathogenicity. Review status: criteria provided, conflicting classifications (1 of 4 stars). 4 submissions from 4 submitters: Uncertain significance (3); Likely benign (1). Last evaluated 2025-01-21.

Conditions:
Inborn genetic diseases. Identifiers: MedGen C0950123, MeSH D030342.
Short-rib thoracic dysplasia 13 with or without polydactyly (SRTD13). Identifiers: Orphanet 474, MedGen C4225378, MONDO:0014577, OMIM 616300.

Allele frequency attached by ClinVar (database versions not stated): gnomAD 0.00003 and 0.00004; TOPMed 0.00004; ESP Exome Variant Server 0.00008.
gnomAD v4.1: 153 of 1,611,786 alleles (0.0095%); highest among the groups gnomAD compares: South Asian, 0.041%; no homozygotes.

Submissions (4):

GeneDx
Classification: Uncertain significance. Last evaluated: 2025-01-21. Review status: criteria provided, single submitter. Criteria: GeneDx Variant Classification Process June 2021. Collection method: clinical testing. Allele origin: germline. Affected: yes.
Comment: In silico analysis indicates that this missense variant does not alter protein structure/function; Has not been previously published as pathogenic or benign to our knowledge

Ambry Genetics
Classification: Likely benign for Inborn genetic diseases. Last evaluated: 2023-03-07. Review status: criteria provided, single submitter. Criteria: Ambry Variant Classification Scheme 2023. Collection method: clinical testing. Allele origin: germline.

Blueprint Genetics
Classification: Uncertain significance. Last evaluated: 2022-08-17. Review status: criteria provided, single submitter. Criteria: ACMG Guidelines, 2015. Collection method: clinical testing. Allele origin: germline.

Labcorp Genetics (formerly Invitae), Labcorp
Classification: Uncertain significance for Short-rib thoracic dysplasia 13 with or without polydactyly. Last evaluated: 2022-07-26. Review status: criteria provided, single submitter. Criteria: Invitae Variant Classification Sherloc (09022015). Collection method: clinical testing. Allele origin: germline.
Comment: This sequence change replaces alanine, which is neutral and non-polar, with threonine, which is neutral and polar, at codon 102 of the CEP120 protein (p.Ala102Thr). This variant is present in population databases (rs370142490, gnomAD 0.03%). This variant has not been reported in the literature in individuals affected with CEP120-related conditions. ClinVar contains an entry for this variant (Variation ID: 1062263). Algorithms developed to predict the effect of missense changes on protein structure and function are either unavailable or do not agree on the potential impact of this missense change (SIFT: "Tolerated"; PolyPhen-2: "Probably Damaging"; Align-GVGD: "Class C0"). In summary, the available evidence is currently insufficient to determine the role of this variant in disease. Therefore, it has been classified as a Variant of Uncertain Significance.

NM_001375405.1(CEP120):c.304G>A (p.Ala102Thr)

Gene: CEP120 (centrosomal protein 120; minus strand). Cytogenetic location: 5q23.2.
Variant type: single nucleotide variant.
Coding change: c.304G>A on transcript NM_001375405.1 (MANE Select); coding-DNA position 304, G replaced by A.
Protein change: p.Ala102Thr; replaces alanine 102 with threonine.
Molecular consequence: missense variant. On other transcripts: 5 prime UTR variant (2), non-coding transcript variant (1).
Genome position (GRCh38, 1-based): chr5:123,416,027, C>T on the plus strand (G>A on the coding strand, the complement: CEP120 is on the minus strand). VCF-style: chr5-123416027-C-T. GRCh37 (hg19) VCF-style: chr5-122751721-C-T.
Other names: c.226G>A, p.Ala76Thr (NM_001166226.2); c.304G>A, p.Ala102Thr (NM_001375406.1, NM_001375407.1, NM_153223.4); c.-445G>A (NM_001375408.1); c.-387G>A (NM_001375409.1); c.304G>A (NM_153223.3); short protein forms A102T, A76T.
Identifiers: ClinVar variation 1062263 (VCV001062263.9), dbSNP rs370142490, ClinGen allele CA3387289.
Genomic context (GRCh38, chr5:123,416,027, plus strand): 5'-ACTGTCTAACATAATCATTAGCAAAACATCAAAAGGGCAATACCTGCTTTGTTTCTTGAG[C>T]GGTTCTTAAATCCAGAACGATGTAACCTATGGTTTCCTTGGCTGAAGTTACAGGATCCAA-3'
Protein context (NP_001362334.1, residues 92-112): IGYIVLDLRT[Ala102Thr]QETKQAPKWY